The following is an entry in ClinVar:

NM_024649.5(BBS1):c.729C>A (p.Ser243Arg)

Genes: BBS1 (Bardet-Biedl syndrome 1; plus strand), ZDHHC24 (zDHHC palmitoyltransferase 24; minus strand). Cytogenetic location: 11q13.2.
Variant type: single nucleotide variant.
Coding change: c.729C>A on transcript NM_024649.5 (MANE Select); coding-DNA position 729, C replaced by A.
Protein change: p.Ser243Arg; replaces serine 243 with arginine.
Molecular consequence: missense variant. On other transcripts: 3 prime UTR variant (1).
Genome position (GRCh38, 1-based): chr11:66,521,275, C>A. VCF-style: chr11-66521275-C-A. GRCh37 (hg19) VCF-style: chr11-66288746-C-A.
Other names: c.*213G>T (NM_001348571.2); short protein forms S243R.
Identifiers: ClinVar variation 1398377 (VCV001398377.8), dbSNP rs1180861221, ClinGen allele CA381459205.
Genomic context (GRCh38, chr11:66,521,275, plus strand): 5'-CAGGGAGGGACGGGGGCTCCAGAGAAATTGGAGTGTTTGCGCTTCTTGTTTGCAGATGAG[C>A]CTTCCCAGCGTCCCCGTCTTCCTAGAGGTTTCTGGCCAGTTTGATGTTGAGTTCCGGCTT-3'
Protein context (NP_078925.3, residues 233-253): PEAFTILAKM[Ser243Arg]LPSVPVFLEV

ClinVar aggregate classification (germline): Uncertain significance (1 of 4 stars; one submission).

Conditions:
Bardet-Biedl syndrome (BBS). Identifiers: Orphanet 110, MedGen C0752166, MONDO:0015229.

Submission:

Labcorp Genetics (formerly Invitae), Labcorp
Classification: Uncertain significance for Bardet-Biedl syndrome. Last evaluated: 2022-11-22. Review status: criteria provided, single submitter. Criteria: Invitae Variant Classification Sherloc (09022015). Collection method: clinical testing. Allele origin: germline.
Comment: ClinVar contains an entry for this variant (Variation ID: 1398377). This variant has not been reported in the literature in individuals affected with BBS1-related conditions. This variant is not present in population databases (gnomAD no frequency). This sequence change replaces serine, which is neutral and polar, with arginine, which is basic and polar, at codon 243 of the BBS1 protein (p.Ser243Arg). Advanced modeling of protein sequence and biophysical properties (such as structural, functional, and spatial information, amino acid conservation, physicochemical variation, residue mobility, and thermodynamic stability) performed at Invitae indicates that this missense variant is not expected to disrupt BBS1 protein function. In summary, the available evidence is currently insufficient to determine the role of this variant in disease. Therefore, it has been classified as a Variant of Uncertain Significance.